The following is an entry in ClinVar:

NM_001142800.2(EYS):c.942del (p.Ala315fs)

Gene: EYS (EGF-like photoreceptor maintenance factor; minus strand). Cytogenetic location: 6q12.
Variant type: Deletion.
Coding change: c.942del on transcript NM_001142800.2 (MANE Select); coding-DNA position 942, one base deleted (T; older notation c.942delT).
Protein change: p.Ala315fs; shifts the reading frame from alanine 315.
Molecular consequence: frameshift variant.
Genome position (GRCh38, 1-based): chr6:65,405,288, A deleted on the plus strand (T on the coding strand, the reverse complement: EYS is on the minus strand). VCF-style (leftmost placement, unchanged base first): chr6-65405287-CA-C. GRCh37 (hg19) VCF-style: chr6-66115180-CA-C.
Other names: c.942del, p.Ala315fs (NM_001142801.2, NM_001292009.2, NM_198283.2); c.942delT (NM_001142800.2); short protein forms A315fs.
Identifiers: ClinVar variation 2675249 (VCV002675249.5), dbSNP rs1766682665, ClinGen allele CA1634204517.

ClinVar aggregate classification (germline): Pathogenic. Review status: criteria provided, multiple submitters, no conflicts (2 of 4 stars). 3 submissions from 3 submitters: Pathogenic (3). Last evaluated 2023-10-01.

Conditions:
Retinitis pigmentosa 25 (RP25). Identifiers: Orphanet 791, MedGen C1864446, MONDO:0011272, OMIM 602772.
Retinal dystrophy. Also called: Inherited retinal dystrophy. Identifiers: Orphanet 71862, MedGen C0854723, MeSH D058499, MONDO:0019118, HP:0000556.

Allele frequency attached by ClinVar (database versions not stated): gnomAD exomes below 0.00001.

Submissions (3):

Dept Of Ophthalmology, Nagoya University
Classification: Pathogenic for Retinal dystrophy. Last evaluated: 2023-10-01. Review status: criteria provided, single submitter. Criteria: Submitter's publication. Collection method: research. Allele origin: germline. Affected: yes.

Baylor Genetics
Classification: Pathogenic for Retinitis pigmentosa 25. Last evaluated: 2023-08-31. Review status: criteria provided, single submitter. Criteria: ACMG Guidelines, 2015. Collection method: clinical testing. Allele origin: unknown.

Labcorp Genetics (formerly Invitae), Labcorp
Classification: Pathogenic. Last evaluated: 2023-03-08. Review status: criteria provided, single submitter. Criteria: Invitae Variant Classification Sherloc (09022015). Collection method: clinical testing. Allele origin: germline.
Comment: For these reasons, this variant has been classified as Pathogenic. Algorithms developed to predict the effect of sequence changes on RNA splicing suggest that this variant may disrupt the consensus splice site. This premature translational stop signal has been observed in individual(s) with retinitis pigmentosa (PMID: 31814702). This variant is not present in population databases (gnomAD no frequency). This sequence change creates a premature translational stop signal (p.Ala315Leufs*24) in the EYS gene. It is expected to result in an absent or disrupted protein product. Loss-of-function variants in EYS are known to be pathogenic (PMID: 18836446, 20333770).

Literature cited by the submitters: PubMed 31814702 (cited by Labcorp Genetics (formerly Invitae), Labcorp); PubMed 18836446 (cited by Labcorp Genetics (formerly Invitae), Labcorp); PubMed 20333770 (cited by Labcorp Genetics (formerly Invitae), Labcorp).